The following is an entry in ClinVar:

NM_000135.4(FANCA):c.1033G>C (p.Glu345Gln)

Gene: FANCA (FA complementation group A; minus strand). Cytogenetic location: 16q24.3.
Variant type: single nucleotide variant.
Coding change: c.1033G>C on transcript NM_000135.4 (MANE Select); coding-DNA position 1033, G replaced by C.
Protein change: p.Glu345Gln; replaces glutamic acid 345 with glutamine.
Molecular consequence: missense variant.
Genome position (GRCh38, 1-based): chr16:89,792,521, C>G on the plus strand (G>C on the coding strand, the complement: FANCA is on the minus strand). VCF-style: chr16-89792521-C-G. GRCh37 (hg19) VCF-style: chr16-89858929-C-G.
Other names: c.1033G>C, p.Glu345Gln (NM_001286167.3); short protein forms E345Q.
Identifiers: ClinVar variation 3848260 (VCV003848260.1).
Genomic context (GRCh38, chr16:89,792,521, plus strand): 5'-ATCCACTCACCCTGCGGTACAGTGAGGTGAGCAGAGGGTGTGTCCGCGCAAAGCTCCACT[C>G]TCTCTGCATCTGAACAGCATCAGATGCTGCAGGGGGAGAAACAGACAAAAACTTCAAGTC-3'
Protein context (NP_000126.2, residues 335-355): KASDAVQMQR[Glu345Gln]WSFARTHPLL

ClinVar aggregate classification (germline): Uncertain significance (1 of 4 stars; one submission).

Conditions:
Inborn genetic diseases. Identifiers: MedGen C0950123, MeSH D030342.

gnomAD v4.1: 5 of 1,613,330 alleles (0.00031%); highest among the groups gnomAD compares: African/African-American, 0.0013%; no homozygotes.

Submission:

Ambry Genetics
Classification: Uncertain significance for Inborn genetic diseases. Last evaluated: 2025-02-22. Review status: criteria provided, single submitter. Criteria: Ambry Variant Classification Scheme 2023. Collection method: clinical testing. Allele origin: germline.
Comment: The p.E345Q variant (also known as c.1033G>C), located in coding exon 12 of the FANCA gene, results from a G to C substitution at nucleotide position 1033. The glutamic acid at codon 345 is replaced by glutamine, an amino acid with highly similar properties. This amino acid position is conserved. In addition, this alteration is predicted to be tolerated by in silico analysis. Based on the available evidence, the clinical significance of this variant remains unclear.